The following is an entry in ClinVar:

NM_016023.5(OTUD6B):c.479A>G (p.Tyr160Cys)

Gene: OTUD6B (OTU deubiquitinase 6B; plus strand). Cytogenetic location: 8q21.3.
Variant type: single nucleotide variant.
Coding change: c.479A>G on transcript NM_016023.5 (MANE Select); coding-DNA position 479, A replaced by G.
Protein change: p.Tyr160Cys; replaces tyrosine 160 with cysteine.
Molecular consequence: missense variant.
Genome position (GRCh38, 1-based): chr8:91,078,519, A>G. VCF-style: chr8-91078519-A-G. GRCh37 (hg19) VCF-style: chr8-92090747-A-G.
Other names: c.176A>G, p.Tyr59Cys (NM_001286745.3); c.398A>G, p.Tyr133Cys (NM_001416022.1); short protein forms Y133C, Y160C, Y59C.
Identifiers: ClinVar variation 3341106 (VCV003341106.2).

ClinVar aggregate classification (germline): Uncertain significance (1 of 4 stars; one submission).

Conditions:
Intellectual developmental disorder with dysmorphic facies, seizures, and distal limb anomalies (IDDFSDA). Identifiers: Orphanet 505237, MedGen C4479520, MONDO:0044319, OMIM 617452.

gnomAD v4.1: 1 of 1,610,258 alleles (0.000062%); highest among the groups gnomAD compares: Non-Finnish European, 0.000085%; no homozygotes.

Submission:

Molecular Diagnostic Laboratory, Beijing Chigene Translational Medicine Research Center
Classification: Uncertain significance for Intellectual developmental disorder with dysmorphic facies, seizures, and distal limb anomalies. Last evaluated: 2024-09-24. Review status: criteria provided, single submitter. Criteria: ACMG Guidelines, 2015. Collection method: clinical testing. Allele origin: paternal. Inheritance: Autosomal recessive inheritance. Affected: yes. Observed: 1 compound heterozygote.
Comment: The c.479A>G/p.Y160C variant in OTUD6B is not present in any population databases. The classification of uncertain significance was made only based on clinical interpretation of genetic variants by the ACMG/AMP 2015 guideline, evidence PM1 and PM2 (Sue Richards et al., 2015 ).